The following is an entry in ClinVar:

NM_000937.5(POLR2A):c.2815G>T (p.Val939Leu)

Gene: POLR2A (RNA polymerase II subunit A; plus strand). Cytogenetic location: 17p13.1.
Variant type: single nucleotide variant.
Coding change: c.2815G>T on transcript NM_000937.5 (MANE Select); coding-DNA position 2815, G replaced by T.
Protein change: p.Val939Leu; replaces valine 939 with leucine.
Molecular consequence: missense variant.
Genome position (GRCh38, 1-based): chr17:7,503,179, G>T. VCF-style: chr17-7503179-G-T. GRCh37 (hg19) VCF-style: chr17-7406498-G-T.
Other names: short protein forms V939L.
Identifiers: ClinVar variation 5018137 (VCV005018137.1).

ClinVar aggregate classification (germline): Uncertain significance (1 of 4 stars; one submission).

Submission:

GeneDx
Classification: Uncertain significance. Last evaluated: 2026-04-03. Review status: criteria provided, single submitter. Criteria: GeneDx Variant Classification Process June 2021. Collection method: clinical testing. Allele origin: germline.
Comment: Not observed at significant frequency in large population cohorts (gnomAD); In silico analysis supports that this missense variant has a deleterious effect on protein structure/function; Has not been previously published as pathogenic or benign to our knowledge